The following is an entry in ClinVar:

NM_000051.4(ATM):c.8164C>T (p.Leu2722=)

Genes: ATM (ATM serine/threonine kinase; plus strand), C11orf65 (chromosome 11 open reading frame 65; minus strand). Cytogenetic location: 11q22.3.
Variant type: single nucleotide variant.
Coding change: c.8164C>T on transcript NM_000051.4 (MANE Select); coding-DNA position 8164, C replaced by T.
Protein change: p.Leu2722=; no amino-acid change (leucine 2722 retained).
Molecular consequence: synonymous variant. On other transcripts: intron variant (2).
Genome position (GRCh38, 1-based): chr11:108,335,857, C>T. VCF-style: chr11-108335857-C-T. GRCh37 (hg19) VCF-style: chr11-108206584-C-T.
Other names: c.8164C>T, p.Leu2722= (NM_001351834.2); c.641-26786G>A (NM_001330368.2); c.695-565G>A (NM_001351110.2).
Identifiers: ClinVar variation 414600 (VCV000414600.20), dbSNP rs587782399, ClinGen allele CA6266314.
Genomic context (GRCh38, chr11:108,335,857, plus strand): 5'-ATAATAAAATAAACTGTACTTGTTTATTCATGCTTAATTATTCTGAAGGGCCGTGATGAC[C>T]TGAGACAAGATGCTGTCATGCAACAGGTCTTCCAGATGTGTAATACATTACTGCAGAGAA-3'
Protein context (NP_000042.3, residues 2712-2732): RRQLVKGRDD[Leu2722=]RQDAVMQQVF

ClinVar aggregate classification (germline): Conflicting classifications of pathogenicity. Review status: criteria provided, conflicting classifications (1 of 4 stars). 7 submissions from 7 submitters: Uncertain significance (1); Benign (1); Likely benign (4). 1 of the submissions does not count toward it. Last evaluated 2025-11-21.

Conditions:
Hereditary cancer-predisposing syndrome. Also called: Neoplastic Syndromes, Hereditary; Hereditary Cancer Syndrome; Tumor predisposition; Hereditary neoplastic syndrome. Identifiers: Orphanet 140162, MedGen C0027672, MeSH D009386, MONDO:0015356.
Familial cancer of breast. Also called: Hereditary breast cancer; BREAST CANCER, FAMILIAL; hereditary breast carcinoma. Identifiers: Orphanet 227535, MedGen C0346153, MONDO:0016419, OMIM 114480. Disease mechanism: loss of function.
Ataxia-telangiectasia syndrome (AT). Also called: LOUIS-BAR SYNDROME; Cerebello-oculocutaneous telangiectasia; Immunodeficiency with ataxia telangiectasia; Ataxia-telangiectasia, complementation group D; AT, COMPLEMENTATION GROUP C; Ataxia-telangiectasia, complementation group E. Identifiers: Orphanet 100, MedGen C0004135, MONDO:0008840, OMIM 208900.

Allele frequency attached by ClinVar (database versions not stated): gnomAD exomes 0.00002 and below 0.00001; ExAC 0.00001.
gnomAD v4.1: 2 of 1,613,596 alleles (0.00012%); highest among the groups gnomAD compares: East Asian, 0.0045%; no homozygotes.

Submissions (7):

Women's Health and Genetics/Laboratory Corporation of America, LabCorp
Classification: Likely benign. Last evaluated: 2025-11-21. Review status: criteria provided, single submitter. Criteria: LabCorp Variant Classification Summary - May 2015. Collection method: clinical testing. Allele origin: germline.

Labcorp Genetics (formerly Invitae), Labcorp
Classification: Likely benign for Ataxia-telangiectasia syndrome. Last evaluated: 2025-07-29. Review status: criteria provided, single submitter. Criteria: Invitae Variant Classification Sherloc (09022015). Collection method: clinical testing. Allele origin: germline.

Quest Diagnostics Nichols Institute San Juan Capistrano
Classification: Uncertain significance. Last evaluated: 2025-07-12. Review status: criteria provided, single submitter. Criteria: Quest Diagnostics criteria. Collection method: clinical testing. Allele origin: unknown.

Myriad Genetics, Inc.
Classification: Benign for Familial cancer of breast. Last evaluated: 2024-06-18. Review status: criteria provided, single submitter. Criteria: Myriad Autosomal Dominant, Autosomal Recessive and X-Linked Classification Criteria (2023). Collection method: clinical testing. Allele origin: unknown.
Comment: This variant is considered benign. This variant is a silent/synonymous amino acid change and it is not expected to impact splicing.

Ambry Genetics
Classification: Likely benign for Hereditary cancer-predisposing syndrome. Last evaluated: 2018-05-17. Review status: criteria provided, single submitter. Criteria: Ambry Variant Classification Scheme 2023. Collection method: clinical testing. Allele origin: germline.

Color Diagnostics, LLC DBA Color Health
Classification: Likely benign for Hereditary cancer-predisposing syndrome. Last evaluated: 2016-10-11. Review status: criteria provided, single submitter. Criteria: ACMG Guidelines, 2015. Collection method: clinical testing. Allele origin: germline.

True Health Diagnostics
Classification: Likely benign for Hereditary cancer-predisposing syndrome. Last evaluated: 2017-10-26. Review status: no assertion criteria provided. Collection method: clinical testing. Allele origin: germline. Not counted in ClinVar's aggregate classification.